The following is an entry in ClinVar:

ClinVar aggregate classification (germline): Uncertain significance (1 of 4 stars; one submission).

Conditions:
ALMS1-related disorder. Also called: ALMS1-related condition.

gnomAD v4.1: 3 of 1,614,148 alleles (0.00019%); highest among the groups gnomAD compares: Non-Finnish European, 0.00025%; no homozygotes.

Submission:

PreventionGenetics, part of Exact Sciences
Classification: Uncertain significance for ALMS1-related condition. Last evaluated: 2026-04-14. Review status: criteria provided, single submitter. Criteria: ACMG Guidelines, 2015. Collection method: clinical testing. Allele origin: germline.
Comment: The ALMS1 c.8708A>C variant is predicted to result in the amino acid substitution p.His2903Pro. To our knowledge, this variant has not been reported in the literature. This variant is reported in 0.0083% of alleles in individuals of African descent in gnomAD. At this time, the clinical significance of this variant is uncertain due to the absence of conclusive functional and genetic evidence.

NM_001378454.1(ALMS1):c.8705A>C (p.Lys2902Thr)

Gene: ALMS1 (ALMS1 centrosome and basal body associated protein; plus strand). Cytogenetic location: 2p13.1.
Variant type: single nucleotide variant.
Coding change: c.8705A>C on transcript NM_001378454.1 (MANE Select); coding-DNA position 8705, A replaced by C.
Protein change: p.Lys2902Thr; replaces lysine 2902 with threonine.
Molecular consequence: missense variant.
Genome position (GRCh38, 1-based): chr2:73,490,664, A>C. VCF-style: chr2-73490664-A-C. GRCh37 (hg19) VCF-style: chr2-73717791-A-C.
Other names: c.8708A>C, p.Lys2903Thr (NM_015120.4); short protein forms K2902T, K2903T.
Identifiers: ClinVar variation 4979428 (VCV004979428.1).
Genomic context (GRCh38, chr2:73,490,664, plus strand): 5'-TTGAACAACGAGAGCTCTTTGAACAAAGCAAAGCCCCACGTGCAGATGACCATGTGAGGA[A>C]ACACCATTCTCCCTCTCCTCAACATCAGGATTATGTAGCTCCAGACCTTCCTTCTTGCAT-3'
Protein context (NP_001365383.1, residues 2892-2912): KAPRADDHVR[Lys2902Thr]HHSPSPQHQD